The following is an entry in ClinVar:

ClinVar aggregate classification (germline): Conflicting classifications of pathogenicity. Review status: criteria provided, conflicting classifications (1 of 4 stars). 2 submissions from 2 submitters: Uncertain significance (1); Likely benign (1). Last evaluated 2023-03-23.

Conditions:
Hereditary breast ovarian cancer syndrome. Also called: Hereditary breast and ovarian cancer syndrome; Hereditary breast and/or ovarian cancer syndrome; BRCA1- and BRCA2-Associated Hereditary Breast and Ovarian Cancer; Hereditary breast and ovarian cancer syndrome (HBOC); Breast and ovarian cancer; Hereditary breast and ovarian cancer. Identifiers: Orphanet 145, MedGen C0677776, MeSH D061325, MONDO:0003582. Disease mechanism: loss of function.
Hereditary cancer-predisposing syndrome. Also called: Hereditary neoplastic syndrome; Hereditary Cancer Syndrome; Tumor predisposition; Neoplastic Syndromes, Hereditary. Identifiers: Orphanet 140162, MedGen C0027672, MeSH D009386, MONDO:0015356.

Allele frequency attached by ClinVar (database versions not stated): TOPMed below 0.00001.

Submissions (2):

University of Washington Department of Laboratory Medicine, University of Washington
Classification: Likely benign for Hereditary cancer-predisposing syndrome. Last evaluated: 2023-03-23. Review status: criteria provided, single submitter. Criteria: Dines et al. (Genet Med. 2020). Collection method: curation. Allele origin: germline.
Comment: Missense variant in a coldspot region where missense variants are very unlikely to be pathogenic (PMID:31911673).

BRCA2 exon 11 coldspot. Reclassification based on statistical prior probability.

Labcorp Genetics (formerly Invitae), Labcorp
Classification: Uncertain significance for Hereditary breast ovarian cancer syndrome. Last evaluated: 2021-02-08. Review status: criteria provided, single submitter. Criteria: Invitae Variant Classification Sherloc (09022015). Collection method: clinical testing. Allele origin: germline.
Comment: In summary, the available evidence is currently insufficient to determine the role of this variant in disease. Therefore, it has been classified as a Variant of Uncertain Significance. This sequence change replaces glutamic acid with glycine at codon 654 of the BRCA2 protein (p.Glu654Gly). The glutamic acid residue is weakly conserved and there is a moderate physicochemical difference between glutamic acid and glycine. This variant is not present in population databases (ExAC no frequency). This variant has not been reported in the literature in individuals with BRCA2-related conditions. Advanced modeling of protein sequence and biophysical properties (such as structural, functional, and spatial information, amino acid conservation, physicochemical variation, residue mobility, and thermodynamic stability) performed at Invitae indicates that this missense variant is not expected to disrupt BRCA2 protein function.

NM_000059.4(BRCA2):c.1961A>G (p.Glu654Gly)

Gene: BRCA2 (BRCA2 DNA repair associated; plus strand). Cytogenetic location: 13q13.1.
Variant type: single nucleotide variant.
Coding change: c.1961A>G on transcript NM_000059.4 (MANE Select); coding-DNA position 1961, A replaced by G.
Protein change: p.Glu654Gly; replaces glutamic acid 654 with glycine.
Molecular consequence: missense variant.
Genome position (GRCh38, 1-based): chr13:32,336,316, A>G. VCF-style: chr13-32336316-A-G. GRCh37 (hg19) VCF-style: chr13-32910453-A-G.
Other names: short protein forms E654G.
Identifiers: ClinVar variation 1522344 (VCV001522344.9), dbSNP rs2072447912, ClinGen allele CA387768488.